The following is an entry in ClinVar:

NM_014989.7(RIMS1):c.1724G>A (p.Arg575Gln)

Gene: RIMS1 (regulating synaptic membrane exocytosis 1; plus strand). Cytogenetic location: 6q13.
Variant type: single nucleotide variant.
Coding change: c.1724G>A on transcript NM_014989.7 (MANE Select); coding-DNA position 1724, G replaced by A.
Protein change: p.Arg575Gln; replaces arginine 575 with glutamine.
Molecular consequence: missense variant. On other transcripts: 5 prime UTR variant (9).
Genome position (GRCh38, 1-based): chr6:72,233,818, G>A. VCF-style: chr6-72233818-G-A. GRCh37 (hg19) VCF-style: chr6-72943521-G-A.
Other names: c.146G>A, p.Arg49Gln (NM_001168407.2, NM_001168408.2, NM_001350414.2 and 37 more transcripts); c.-98G>A (NM_001168409.2, NM_001350461.2, NM_001350463.2 and 6 more transcripts); c.101G>A, p.Arg34Gln (NM_001168410.2, NM_001350470.2, NM_001350472.2 and 2 more transcripts); c.77G>A, p.Arg26Gln (NM_001350421.2, NM_001350424.2, NM_001350428.2 and 6 more transcripts); short protein forms R26Q, R34Q, R49Q, R575Q.
Identifiers: ClinVar variation 965106 (VCV000965106.9), dbSNP rs760384666, ClinGen allele CA3885788.

ClinVar aggregate classification (germline): Uncertain significance (1 of 4 stars; one submission).

Allele frequency attached by ClinVar (database versions not stated): TOPMed 0.00008; gnomAD 0.00011.
gnomAD v4.1: 36 of 1,581,218 alleles (0.0023%); highest among the groups gnomAD compares: African/African-American, 0.03%; no homozygotes.

Submission:

Labcorp Genetics (formerly Invitae), Labcorp
Classification: Uncertain significance. Last evaluated: 2025-07-28. Review status: criteria provided, single submitter. Criteria: Invitae Variant Classification Sherloc (09022015). Collection method: clinical testing. Allele origin: germline.
Comment: This sequence change replaces arginine, which is basic and polar, with glutamine, which is neutral and polar, at codon 575 of the RIMS1 protein (p.Arg575Gln). The frequency data for this variant in the population databases is considered unreliable, as metrics indicate poor data quality at this position in the gnomAD database. This variant has not been reported in the literature in individuals affected with RIMS1-related conditions. ClinVar contains an entry for this variant (Variation ID: 965106). An algorithm developed to predict the effect of missense changes on protein structure and function (PolyPhen-2) suggests that this variant is likely to be disruptive. In summary, the available evidence is currently insufficient to determine the role of this variant in disease. Therefore, it has been classified as a Variant of Uncertain Significance.